The following is an entry in ClinVar:

ClinVar aggregate classification (germline): Likely pathogenic (1 of 4 stars; one submission).

Conditions:
Methylcobalamin deficiency type cblE (HMAE). Also called: HOMOCYSTINURIA-MEGALOBLASTIC ANEMIA, cblE TYPE; HOMOCYSTINURIA-MEGALOBLASTIC ANEMIA, cblE COMPLEMENTATION TYPE; VITAMIN B12-RESPONSIVE HOMOCYSTINURIA, cblE TYPE. Identifiers: Orphanet 2169, Orphanet 622, MedGen C1856057, MONDO:0009354, OMIM 236270.

Submission:

Natera, Inc.
Classification: Likely pathogenic for CblE complementation type homocystinuria-megaloblastic anemia due to defect in cobalamin metabolism. Last evaluated: 2026-01-20. Review status: criteria provided, single submitter. Criteria: Natera Variant Classification Schema (03/2026). Collection method: clinical testing. Allele origin: germline.
Comment: The c.7_9delAGG variant in MTRR is an in-frame deletion predicted to remove arginine at amino acid 3 while preserving the reading frame. This variant is rare in the general population with a frequency below the threshold expected for the associated phenotype(s). This variant has been observed in one or more individuals affected with the associated recessive disease, as either homozygous or compound heterozygous with a second variant (PMID: 28712006). Functional studies show that this variant may disrupt protein function (PMID: 28712006, 32353563). This variant results in a change to the protein length while preserving reading frame, which may disrupt normal protein structure or function. Given the available evidence, this variant is classified as Likely Pathogenic.

Literature cited by the submitters: PubMed 28712006; PubMed 32353563.

NM_002454.3(MTRR):c.4AGG[1] (p.Arg3del)

Gene: MTRR (5-methyltetrahydrofolate-homocysteine methyltransferase reductase; plus strand). Cytogenetic location: 5p15.31.
Variant type: Microsatellite.
Coding change: c.4AGG[1] on transcript NM_002454.3 (MANE Select); one copy of the 3-base unit AGG starting at c.4; the reference has two copies in a row; one copy, 3 bases deleted.
Protein change: p.Arg3del; deletes arginine 3.
Molecular consequence: inframe deletion, initiator codon variant. On other transcripts: non-coding transcript variant (14).
Genome position (GRCh38, 1-based): chr5:7,870,801-7,870,803, AGG deleted; deleting any 3 consecutive bases within chr5:7,870,797-7,870,803 gives the same sequence; the position shown is the placement nearest the transcript's 3' end. VCF-style (leftmost placement, unchanged base first): chr5-7870796-TGAG-T. GRCh37 (hg19) VCF-style: chr5-7870909-TGAG-T.
Other names: c.4AGG[1], p.Arg3del (NM_001364440.2, NM_001364441.2, NM_001364442.2 and 1 more transcripts); short protein forms R3del.
Identifiers: ClinVar variation 4815063 (VCV004815063.1).